The following is an entry in ClinVar:

ClinVar aggregate classification (germline): Uncertain significance. Review status: criteria provided, multiple submitters, no conflicts (2 of 4 stars). 3 submissions from 3 submitters: Uncertain significance (3). Last evaluated 2025-02-01.

Conditions:
Hereditary cancer-predisposing syndrome. Also called: Neoplastic Syndromes, Hereditary; Hereditary Cancer Syndrome; Tumor predisposition; Hereditary neoplastic syndrome. Identifiers: Orphanet 140162, MedGen C0027672, MeSH D009386, MONDO:0015356.
Hereditary nonpolyposis colorectal neoplasms. Identifiers: MedGen C0009405, MeSH D003123.

Submissions (3):

CeGaT Center for Human Genetics Tuebingen
Classification: Uncertain significance. Last evaluated: 2025-02-01. Review status: criteria provided, single submitter. Criteria: CeGaT Center For Human Genetics Tuebingen Variant Classification Criteria Version 2. Collection method: clinical testing. Allele origin: germline. Affected: yes. Observed: 1 variant allele.
Comment: MSH6: PM2, PM4

Labcorp Genetics (formerly Invitae), Labcorp
Classification: Uncertain significance for Hereditary nonpolyposis colorectal neoplasms. Last evaluated: 2024-09-14. Review status: criteria provided, single submitter. Criteria: Invitae Variant Classification Sherloc (09022015). Collection method: clinical testing. Allele origin: germline.
Comment: This variant, c.4018_4032del, results in the deletion of 5 amino acid(s) of the MSH6 protein (p.Ser1340_Thr1344del), but otherwise preserves the integrity of the reading frame. This variant is not present in population databases (gnomAD no frequency). This variant has not been reported in the literature in individuals affected with MSH6-related conditions. ClinVar contains an entry for this variant (Variation ID: 525655). Experimental studies and prediction algorithms are not available or were not evaluated, and the functional significance of this variant is currently unknown. In summary, the available evidence is currently insufficient to determine the role of this variant in disease. Therefore, it has been classified as a Variant of Uncertain Significance.

Color Diagnostics, LLC DBA Color Health
Classification: Uncertain significance for Hereditary cancer-predisposing syndrome. Last evaluated: 2020-10-13. Review status: criteria provided, single submitter. Criteria: ACMG Guidelines, 2015. Collection method: clinical testing. Allele origin: germline.
Comment: This variant causes a deletion of 5 amino acids in the MSH6 protein. To our knowledge, functional studies have not been reported for this variant. This variant has not been reported in individuals affected with hereditary cancer in the literature. This variant has not been identified in the general population by the Genome Aggregation Database (gnomAD). The available evidence is insufficient to determine the role of this variant in disease conclusively. Therefore, this variant is classified as a Variant of Uncertain Significance.

NM_000179.3(MSH6):c.4018_4032del (p.Ser1340_Thr1344del)

Gene: MSH6 (mutS homolog 6; plus strand). Cytogenetic location: 2p16.3.
Variant type: Deletion.
Coding change: c.4018_4032del on transcript NM_000179.3 (MANE Select); coding-DNA positions 4018 to 4032, 15 bases deleted (AGTGAAAGGTCAACT).
Protein change: p.Ser1340_Thr1344del.
Molecular consequence: inframe deletion.
Genome position (GRCh38, 1-based): chr2:47,806,795-47,806,809, AGTGAAAGGTCAACT deleted; deleting any 15 consecutive bases within chr2:47,806,793-47,806,809 gives the same sequence; the c. name uses the placement nearest the transcript's 3' end. VCF-style (leftmost placement, unchanged base first): chr2-47806792-GCTAGTGAAAGGTCAA-G. GRCh37 (hg19) VCF-style: chr2-48033931-GCTAGTGAAAGGTCAA-G.
Other names: c.4018_4032delAGTGAAAGGTCAACT (NM_000179.2); c.3628_3642del, p.Ser1210_Thr1214del (NM_001281492.2); c.3112_3126del, p.Ser1038_Thr1042del (NM_001281493.2, NM_001281494.2).
Identifiers: ClinVar variation 525655 (VCV000525655.24), dbSNP rs1553333998, ClinGen allele CA658795767.